The following is an entry in ClinVar:

ClinVar aggregate classification (germline): Uncertain significance. Review status: criteria provided, multiple submitters, no conflicts (2 of 4 stars). 3 submissions from 3 submitters: Uncertain significance (3). Last evaluated 2025-11-18.

Conditions:
Hereditary pheochromocytoma and paraganglioma. Also called: Hereditary pheochromocytoma-paraganglioma; Hereditary paragangliomas and pheochromocytomas; Hereditary Paraganglioma-Pheochromocytoma Syndromes. Identifiers: Orphanet 29072, MedGen C4274332, MONDO:0017366.
Hereditary cancer-predisposing syndrome. Also called: Hereditary neoplastic syndrome; Tumor predisposition; Hereditary Cancer Syndrome; Neoplastic Syndromes, Hereditary. Identifiers: Orphanet 140162, MedGen C0027672, MeSH D009386, MONDO:0015356.
Pheochromocytoma. Also called: MAX-Related Hereditary Paraganglioma-Pheochromocytoma Syndrome. Identifiers: Orphanet 29072, MedGen C0031511, MONDO:0008233, OMIM 171300, HP:0002666.

Submissions (3):

Dasa
Classification: Uncertain significance for pheochromocytoma. Last evaluated: 2025-11-18. Review status: criteria provided, single submitter. Criteria: DASA Assertion Criteria. Collection method: clinical testing. Allele origin: germline.
Comment: NM_017849.4(TMEM127):c.671A>G (p.Tyr224Cys) is a missense variant that results in the substitution of tyrosine with cysteine. This variant is absent from population databases. The currently available literature and clinical evidence are not sufficient to establish a definitive association between this variant and the reported condition. Therefore, this variant is classified as a variant of uncertain significance.

Ambry Genetics
Classification: Uncertain significance for Hereditary cancer-predisposing syndrome. Last evaluated: 2025-07-25. Review status: criteria provided, single submitter. Criteria: Ambry Variant Classification Scheme 2023. Collection method: clinical testing. Allele origin: germline.
Comment: The p.Y224C variant (also known as c.671A>G), located in coding exon 3 of the TMEM127 gene, results from an A to G substitution at nucleotide position 671. The tyrosine at codon 224 is replaced by cysteine, an amino acid with highly dissimilar properties. This amino acid position is conserved. In addition, this alteration is predicted to be deleterious by in silico analysis. Based on the available evidence, the clinical significance of this variant remains unclear.

Labcorp Genetics (formerly Invitae), Labcorp
Classification: Uncertain significance for Hereditary pheochromocytoma and paraganglioma. Last evaluated: 2016-12-04. Review status: criteria provided, single submitter. Criteria: Invitae Variant Classification Sherloc (09022015). Collection method: clinical testing. Allele origin: germline.
Comment: Algorithms developed to predict the effect of sequence changes on RNA splicing suggest that this variant may alter RNA splicing, but this prediction has not been confirmed by published transcriptional studies. Algorithms developed to predict the effect of missense changes on protein structure and function (SIFT, PolyPhen-2, Align-GVGD) all suggest that this variant is likely to be disruptive, but these predictions have not been confirmed by published functional studies. This variant is not present in population databases (ExAC no frequency) and has not been reported in the literature in individuals with a TMEM127-related disease. This sequence change replaces tyrosine with cysteine at codon 224 of the TMEM127 protein (p.Tyr224Cys). The tyrosine residue is highly conserved and there is a large physicochemical difference between tyrosine and cysteine. In summary, this variant is a novel missense change with uncertain impact on protein function. It has been classified as a Variant of Uncertain Significance.

NM_017849.4(TMEM127):c.671A>G (p.Tyr224Cys)

Gene: TMEM127 (transmembrane protein 127; minus strand). Cytogenetic location: 2q11.2.
Variant type: single nucleotide variant.
Coding change: c.671A>G on transcript NM_017849.4 (MANE Select); coding-DNA position 671, A replaced by G.
Protein change: p.Tyr224Cys; replaces tyrosine 224 with cysteine.
Molecular consequence: missense variant.
Genome position (GRCh38, 1-based): chr2:96,253,854, T>C on the plus strand (A>G on the coding strand, the complement: TMEM127 is on the minus strand). VCF-style: chr2-96253854-T-C. GRCh37 (hg19) VCF-style: chr2-96919592-T-C.
Other names: c.671A>G, p.Tyr224Cys (NM_001193304.3); short protein forms Y224C.
Identifiers: ClinVar variation 405197 (VCV000405197.11), dbSNP rs1060500598, ClinGen allele CA16611120.